The following is an entry in ClinVar:

NM_004168.4(SDHA):c.809_814del (p.His270_Ser272delinsArg)

Gene: SDHA (succinate dehydrogenase complex flavoprotein subunit A; plus strand). Cytogenetic location: 5p15.33.
Variant type: Deletion.
Coding change: c.809_814del on transcript NM_004168.4 (MANE Select); coding-DNA positions 809 to 814, 6 bases deleted (ACACCA; older notation c.809_814delACACCA).
Protein change: p.His270_Ser272delinsArg.
Molecular consequence: inframe indel.
Genome position (GRCh38, 1-based): chr5:230,914-230,919, ACACCA deleted. VCF-style (leftmost placement, unchanged base first): chr5-230913-CACACCA-C. GRCh37 (hg19) VCF-style: chr5-231028-CACACCA-C.
Other names: c.665_670del, p.His222_Ser224delinsArg (NM_001294332.2); c.809_814del, p.His270_Ser272delinsArg (NM_001330758.2); c.809_814delACACCA (NM_004168.2).
Identifiers: ClinVar variation 1055128 (VCV001055128.14), dbSNP rs2126568112, ClinGen allele CA2499217810.
Genomic context (GRCh38, chr5:230,913, plus strand): 5'-TCACTGCTCTCTATTGTTTCCAGAGGCTACGGGCGCACCTACTTCAGCTGCACGTCTGCC[CACACCA>C]GCACTGGCGACGGCACGGCCATGATCACCAGGGCAGGCCTTCCTTGCCAGGACCTAGAGT-3'

ClinVar aggregate classification (germline): Uncertain significance. Review status: criteria provided, multiple submitters, no conflicts (2 of 4 stars). 2 submissions from 2 submitters: Uncertain significance (2). Last evaluated 2026-05-21.

Conditions:
Mitochondrial complex II deficiency, nuclear type 1. Also called: SUCCINATE CoQ REDUCTASE DEFICIENCY. Identifiers: Orphanet 3208, MedGen C5700310, MONDO:0100294, OMIM 252011.
Pheochromocytoma/paraganglioma syndrome 5. Also called: Paragangliomas 5; SDHA-Related Hereditary Paraganglioma-Pheochromocytoma Syndrome. Identifiers: Orphanet 29072, MedGen C3279992, MONDO:0013602, OMIM 614165.
Hereditary cancer-predisposing syndrome. Also called: Tumor predisposition; Hereditary neoplastic syndrome; Neoplastic Syndromes, Hereditary; Hereditary Cancer Syndrome. Identifiers: Orphanet 140162, MedGen C0027672, MeSH D009386, MONDO:0015356.

Submissions (2):

Ambry Genetics
Classification: Uncertain significance for Hereditary cancer-predisposing syndrome. Last evaluated: 2026-05-21. Review status: criteria provided, single submitter. Criteria: Ambry Variant Classification Scheme 2023. Collection method: clinical testing. Allele origin: germline.
Comment: The c.809_814delACACCA variant (also known as p.H270_S272delinsR) is located in coding exon 7 of the SDHA gene. This variant results from an in-frame ACACCA deletion at nucleotide positions 809 to 814. This results in the deletion of 3 amino acids (HTS) and the insertion of an arginine residue at codons 270 to 272. These amino acid positions are highly conserved in available vertebrate species. In addition, this variant is predicted to be deleterious by in silico analysis (Choi Y et al. PLoS ONE. 2012; 7(10):e46688). Based on the available evidence, the clinical significance of this variant remains unclear.

Labcorp Genetics (formerly Invitae), Labcorp
Classification: Uncertain significance for Pheochromocytoma/paraganglioma syndrome 5; Mitochondrial complex II deficiency, nuclear type 1. Last evaluated: 2020-01-25. Review status: criteria provided, single submitter. Criteria: Invitae Variant Classification Sherloc (09022015). Collection method: clinical testing. Allele origin: germline.
Comment: In summary, the available evidence is currently insufficient to determine the role of this variant in disease. Therefore, it has been classified as a Variant of Uncertain Significance. Experimental studies and prediction algorithms are not available or were not evaluated, and the functional significance of this variant is currently unknown. This variant has not been reported in the literature in individuals with SDHA-related conditions. This variant is not present in population databases (ExAC no frequency). This variant, c.809_814del, is a complex sequence change that results in the deletion of 3 and insertion of 1 amino acid(s) in the SDHA protein (p.His270_Ser272delinsArg).